The following is an entry in ClinVar:

ClinVar aggregate classification (germline): Uncertain significance. Review status: criteria provided, multiple submitters, no conflicts (2 of 4 stars). 3 submissions from 3 submitters: Uncertain significance (3). Last evaluated 2024-01-11.

Conditions:
GNAS-related disorder. Identifiers: MedGen CN380105.

Allele frequency attached by ClinVar (database versions not stated): gnomAD exomes below 0.00001.
gnomAD v4.1: 1 of 1,612,644 alleles (0.000062%); highest among the groups gnomAD compares: Non-Finnish European, 0.000085%; no homozygotes.

Submissions (3):

GeneDx
Classification: Uncertain significance. Last evaluated: 2024-01-11. Review status: criteria provided, single submitter. Criteria: GeneDx Variant Classification Process June 2021. Collection method: clinical testing. Allele origin: germline. Affected: yes.
Comment: Not observed at significant frequency in large population cohorts (gnomAD); In silico analysis supports that this missense variant has a deleterious effect on protein structure/function; Has not been previously published as pathogenic or benign to our knowledge

Blueprint Genetics
Classification: Uncertain significance. Last evaluated: 2023-10-06. Review status: criteria provided, single submitter. Criteria: ACMG Guidelines, 2015. Collection method: clinical testing. Allele origin: germline.

PreventionGenetics, part of Exact Sciences
Classification: Uncertain significance for GNAS-related condition. Last evaluated: 2023-05-10. Review status: criteria provided, single submitter. Criteria: ACMG Guidelines, 2015. Collection method: clinical testing. Allele origin: germline.
Comment: The GNAS c.1007G>A variant is predicted to result in the amino acid substitution p.Arg336Gln. To our knowledge, this variant has not been reported in the literature or in a large population database, indicating this variant is rare. A different amino acid change at this position (p.Arg336Trp) has been reported in at least two individuals with autosomal dominant Albright hereditary osteodystrophy (Ahrens et al. 2001. PubMed ID: 11600516; Salemi et al. 2018. PubMed ID: 29059381). At this time, the clinical significance of this variant is uncertain due to the absence of conclusive functional and genetic evidence.

NM_000516.7(GNAS):c.1007G>A (p.Arg336Gln)

Gene: GNAS (GNAS complex locus; plus strand). Cytogenetic location: 20q13.32.
Variant type: single nucleotide variant.
Coding change: c.1007G>A on transcript NM_000516.7 (MANE Select); coding-DNA position 1007, G replaced by A.
Protein change: p.Arg336Gln; replaces arginine 336 with glutamine.
Molecular consequence: missense variant. On other transcripts: 3 prime UTR variant (2).
Genome position (GRCh38, 1-based): chr20:58,910,370, G>A. VCF-style: chr20-58910370-G-A. GRCh37 (hg19) VCF-style: chr20-57485425-G-A.
Other names: c.1007G>A (NM_000516.5); c.1010G>A, p.Arg337Gln (NM_001077488.5); c.962G>A, p.Arg321Gln (NM_001077489.4); c.*868G>A (NM_001077490.3); c.830G>A, p.Arg277Gln (NM_001309840.2, NM_001309861.2); c.*913G>A (NM_016592.5); c.2936G>A, p.Arg979Gln (NM_080425.4); c.965G>A, p.Arg322Gln (NM_080426.4); short protein forms R277Q, R321Q, R322Q, R336Q, R337Q, R979Q.
Identifiers: ClinVar variation 1321633 (VCV001321633.5), dbSNP rs2146300008, ClinGen allele CA409453597.